The following is an entry in ClinVar:

ClinVar aggregate classification (germline): Uncertain significance (1 of 4 stars; one submission).

Allele frequency attached by ClinVar (database versions not stated): ExAC 0.00001; gnomAD 0.00001; gnomAD exomes 0.00001; TOPMed 0.00006.
gnomAD v4.1: 15 of 1,614,062 alleles (0.00093%); highest among the groups gnomAD compares: Admixed American, 0.005%; no homozygotes.

Submission:

Labcorp Genetics (formerly Invitae), Labcorp
Classification: Uncertain significance. Last evaluated: 2025-12-17. Review status: criteria provided, single submitter. Criteria: Invitae Variant Classification Sherloc (09022015). Collection method: clinical testing. Allele origin: germline.
Comment: This sequence change replaces valine, which is neutral and non-polar, with methionine, which is neutral and non-polar, at codon 376 of the PODXL protein (p.Val376Met). This variant is present in population databases (rs770679315, gnomAD 0.009%). This variant has not been reported in the literature in individuals affected with PODXL-related conditions. ClinVar contains an entry for this variant (Variation ID: 1925589). An algorithm developed to predict the effect of missense changes on protein structure and function (PolyPhen-2) suggests that this variant is likely to be disruptive. In summary, the available evidence is currently insufficient to determine the role of this variant in disease. Therefore, it has been classified as a Variant of Uncertain Significance.

NM_001018111.3(PODXL):c.1222G>A (p.Val408Met)

Gene: PODXL (podocalyxin like; minus strand). Cytogenetic location: 7q32.3.
Variant type: single nucleotide variant.
Coding change: c.1222G>A on transcript NM_001018111.3 (MANE Select); coding-DNA position 1222, G replaced by A.
Protein change: p.Val408Met; replaces valine 408 with methionine.
Molecular consequence: missense variant.
Genome position (GRCh38, 1-based): chr7:131,506,606, C>T on the plus strand (G>A on the coding strand, the complement: PODXL is on the minus strand). VCF-style: chr7-131506606-C-T. GRCh37 (hg19) VCF-style: chr7-131191365-C-T.
Other names: c.1126G>A, p.Val376Met (NM_005397.4); short protein forms V376M, V408M.
Identifiers: ClinVar variation 1925589 (VCV001925589.5), dbSNP rs770679315, ClinGen allele CA4488443.